The following is an entry in ClinVar:

NM_020297.4(ABCC9):c.3567-197T>A

Genes: ABCC9 (ATP binding cassette subfamily C member 9; minus strand), KCNJ8-AS1 (KCNJ8 antisense RNA 1; plus strand). Cytogenetic location: 12p12.1.
Variant type: single nucleotide variant.
Coding change: c.3567-197T>A on transcript NM_020297.4 (MANE Select); 197 bases into the intron before coding-DNA position 3567, T replaced by A.
Molecular consequence: intron variant.
Genome position (GRCh38, 1-based): chr12:21,829,257, A>T on the plus strand (T>A on the coding strand, the complement: ABCC9 is on the minus strand). VCF-style: chr12-21829257-A-T. GRCh37 (hg19) VCF-style: chr12-21982191-A-T.
Other names: c.2700-197T>A (NM_001377274.1); c.3567-197T>A (NM_005691.4, NM_001377273.1).
Identifiers: ClinVar variation 674603 (VCV000674603.1), dbSNP rs11613400, ClinGen allele CA13683558.

ClinVar aggregate classification (germline): Likely benign (1 of 4 stars; one submission).

Allele frequency attached by ClinVar (database versions not stated): 1000 Genomes Project 30x 0.01374; 1000 Genomes Project 0.01498; TOPMed 0.03023; gnomAD 0.03539.
gnomAD v4.1: 4,322 of 121,248 alleles (3.6%); highest among the groups gnomAD compares: Middle Eastern, 5.1%; 93 homozygotes.

Submission:

GeneDx
Classification: Likely benign. Last evaluated: 2018-06-14. Review status: criteria provided, single submitter. Criteria: GeneDx Variant Classification (06012015). Collection method: clinical testing. Allele origin: germline. Affected: yes.
Comment: This variant is considered likely benign or benign based on one or more of the following criteria: it is a conservative change, it occurs at a poorly conserved position in the protein, it is predicted to be benign by multiple in silico algorithms, and/or has population frequency not consistent with disease.